The following is an entry in ClinVar:

ClinVar aggregate classification (germline): Uncertain significance. Review status: criteria provided, multiple submitters, no conflicts (2 of 4 stars). 2 submissions from 2 submitters: Uncertain significance (2). Last evaluated 2021-09-01.

Conditions:
RYR1-related disorder. Also called: RYR1-related condition; RYR1-related disorders. Identifiers: MedGen CN239331.

Allele frequency attached by ClinVar (database versions not stated): gnomAD 0.00001; gnomAD exomes 0.00001 and 0.00003; ExAC 0.00016.
gnomAD v4.1: 11 of 1,389,530 alleles (0.00079%); highest among the groups gnomAD compares: South Asian, 0.0014%; no homozygotes.

Submissions (2):

Labcorp Genetics (formerly Invitae), Labcorp
Classification: Uncertain significance for RYR1-related disorder. Last evaluated: 2021-09-01. Review status: criteria provided, single submitter. Criteria: Invitae Variant Classification Sherloc (09022015). Collection method: clinical testing. Allele origin: germline.
Comment: This sequence change replaces alanine with threonine at codon 4279 of the RYR1 protein (p.Ala4279Thr). The alanine residue is weakly conserved and there is a small physicochemical difference between alanine and threonine. While this variant is present in population databases (rs766705028), the frequency information is unreliable, as metrics indicate poor data quality at this position in the ExAC database. This variant has not been reported in the literature in individuals affected with RYR1-related conditions. Algorithms developed to predict the effect of missense changes on protein structure and function (SIFT, PolyPhen-2, Align-GVGD) all suggest that this variant is likely to be tolerated. In summary, the available evidence is currently insufficient to determine the role of this variant in disease. Therefore, it has been classified as a Variant of Uncertain Significance.

Revvity Omics, Revvity
Classification: Uncertain significance. Last evaluated: 2019-10-18. Review status: criteria provided, single submitter. Criteria: ACMG Guidelines, 2015. Collection method: clinical testing. Allele origin: germline.

NM_000540.3(RYR1):c.12835G>A (p.Ala4279Thr)

Gene: RYR1 (ryanodine receptor 1; plus strand). Cytogenetic location: 19q13.2.
Variant type: single nucleotide variant.
Coding change: c.12835G>A on transcript NM_000540.3 (MANE Select); coding-DNA position 12835, G replaced by A.
Protein change: p.Ala4279Thr; replaces alanine 4279 with threonine.
Molecular consequence: missense variant.
Genome position (GRCh38, 1-based): chr19:38,565,169, G>A. VCF-style: chr19-38565169-G-A. GRCh37 (hg19) VCF-style: chr19-39055809-G-A.
Other names: c.12835G>A (NM_000540.2); c.12820G>A, p.Ala4274Thr (NM_001042723.2); short protein forms A4274T, A4279T.
Identifiers: ClinVar variation 1024389 (VCV001024389.8), dbSNP rs766705028, ClinGen allele CA059483.